The following is an entry in ClinVar:

ClinVar aggregate classification (germline): Uncertain significance. Review status: criteria provided, multiple submitters, no conflicts (2 of 4 stars). 2 submissions from 2 submitters: Uncertain significance (2). Last evaluated 2025-09-19.

Allele frequency attached by ClinVar (database versions not stated): ExAC 0.00003; gnomAD 0.00004 and 0.00005; gnomAD exomes 0.00007; TOPMed 0.00010.
gnomAD v4.1: 250 of 1,612,276 alleles (0.016%); highest among the groups gnomAD compares: Non-Finnish European, 0.021%; no homozygotes.

Submissions (2):

Labcorp Genetics (formerly Invitae), Labcorp
Classification: Uncertain significance. Last evaluated: 2025-09-19. Review status: criteria provided, single submitter. Criteria: Invitae Variant Classification Sherloc (09022015). Collection method: clinical testing. Allele origin: germline.
Comment: This sequence change replaces leucine, which is neutral and non-polar, with phenylalanine, which is neutral and non-polar, at codon 3281 of the HMCN1 protein (p.Leu3281Phe). This variant is present in population databases (rs780010955, gnomAD 0.02%). This variant has not been reported in the literature in individuals affected with HMCN1-related conditions. ClinVar contains an entry for this variant (Variation ID: 1507049). An algorithm developed to predict the effect of missense changes on protein structure and function (PolyPhen-2) suggests that this variant is likely to be disruptive. In summary, the available evidence is currently insufficient to determine the role of this variant in disease. Therefore, it has been classified as a Variant of Uncertain Significance.

Ambry Genetics
Classification: Uncertain significance. Last evaluated: 2024-01-17. Review status: criteria provided, single submitter. Criteria: Ambry Variant Classification Scheme 2023. Collection method: clinical testing. Allele origin: germline.

NM_031935.3(HMCN1):c.9841C>T (p.Leu3281Phe)

Gene: HMCN1 (hemicentin 1; plus strand). Cytogenetic location: 1q31.1.
Variant type: single nucleotide variant.
Coding change: c.9841C>T on transcript NM_031935.3 (MANE Select); coding-DNA position 9841, C replaced by T.
Protein change: p.Leu3281Phe; replaces leucine 3281 with phenylalanine.
Molecular consequence: missense variant.
Genome position (GRCh38, 1-based): chr1:186,090,871, C>T. VCF-style: chr1-186090871-C-T. GRCh37 (hg19) VCF-style: chr1-186060003-C-T.
Other names: c.9841C>T (NM_031935.2); short protein forms L3281F.
Identifiers: ClinVar variation 1507049 (VCV001507049.7), dbSNP rs780010955, ClinGen allele CA1293555.
Genomic context (GRCh38, chr1:186,090,871, plus strand): 5'-GGAGAAAATGTTGAGCTGGTCTGCAATGCAAATGGCATTCCTACTCCACTTATTCAATGG[C>T]TTAAAGATGGAAAGCCCATAGCTAGTGGTGAAACAGAAAGAATCCGGTATGTTTAAAAAT-3'
Protein context (NP_114141.2, residues 3271-3291): NGIPTPLIQW[Leu3281Phe]KDGKPIASGE